The following is an entry in ClinVar:

ClinVar aggregate classification (germline): Uncertain significance. Review status: criteria provided, multiple submitters, no conflicts (2 of 4 stars). 4 submissions from 4 submitters: Uncertain significance (2). 2 of the submissions do not count toward it. Last evaluated 2025-01-01.

Conditions:
Inborn genetic diseases. Identifiers: MedGen C0950123, MeSH D030342.

Allele frequency attached by ClinVar (database versions not stated): ExAC 0.00002; ESP Exome Variant Server 0.00008; gnomAD 0.00011 and 0.00012; TOPMed 0.00018.
gnomAD v4.1: 126 of 1,613,662 alleles (0.0078%); highest among the groups gnomAD compares: Admixed American, 0.042%; no homozygotes.

Submissions (4):

Ambry Genetics
Classification: Uncertain significance for Inborn genetic diseases. Last evaluated: 2025-01-01. Review status: criteria provided, single submitter. Criteria: Ambry Variant Classification Scheme 2023. Collection method: clinical testing. Allele origin: germline.

Labcorp Genetics (formerly Invitae), Labcorp
Classification: Uncertain significance. Last evaluated: 2024-01-29. Review status: criteria provided, single submitter. Criteria: Invitae Variant Classification Sherloc (09022015). Collection method: clinical testing. Allele origin: germline.
Comment: This sequence change replaces alanine, which is neutral and non-polar, with serine, which is neutral and polar, at codon 500 of the C6 protein (p.Ala500Ser). This variant is present in population databases (rs370054003, gnomAD 0.04%). This variant has not been reported in the literature in individuals affected with C6-related conditions. ClinVar contains an entry for this variant (Variation ID: 1175125). An algorithm developed to predict the effect of missense changes on protein structure and function (PolyPhen-2) suggests that this variant is likely to be disruptive. In summary, the available evidence is currently insufficient to determine the role of this variant in disease. Therefore, it has been classified as a Variant of Uncertain Significance.

Clinical Genetics DNA and cytogenetics Diagnostics Lab, Erasmus MC, Erasmus Medical Center
Classification: Uncertain significance. Review status: no assertion criteria provided. Collection method: clinical testing. Allele origin: germline. Affected: yes. Study: VKGL Data-share Consensus. Not counted in ClinVar's aggregate classification.

Diagnostic Laboratory, Department of Genetics, University Medical Center Groningen
Classification: Uncertain significance. Review status: no assertion criteria provided. Collection method: clinical testing. Allele origin: germline. Affected: yes. Study: VKGL Data-share Consensus. Not counted in ClinVar's aggregate classification.

NM_000065.5(C6):c.1498G>T (p.Ala500Ser)

Gene: C6 (complement C6; minus strand). Cytogenetic location: 5p13.1.
Variant type: single nucleotide variant.
Coding change: c.1498G>T on transcript NM_000065.5 (MANE Select); coding-DNA position 1498, G replaced by T.
Protein change: p.Ala500Ser; replaces alanine 500 with serine.
Molecular consequence: missense variant.
Genome position (GRCh38, 1-based): chr5:41,160,328, C>A on the plus strand (G>T on the coding strand, the complement: C6 is on the minus strand). VCF-style: chr5-41160328-C-A. GRCh37 (hg19) VCF-style: chr5-41160430-C-A.
Other names: c.1498G>T, p.Ala500Ser (NM_001115131.4); c.1498G>T (NM_000065.2); short protein forms A500S.
Identifiers: ClinVar variation 1175125 (VCV001175125.10), dbSNP rs370054003, ClinGen allele CA3252433.
Genomic context (GRCh38, chr5:41,160,328, plus strand): 5'-GATCGAACTTGGCTGCATACTCTTGCAAAGCTTTCCTGAGGTTGTTCCGTTTTGTCACTG[C>A]ACAGGGGATGTTTCTTACCAAGTCCACGATGGGGGCAAGCTAGGAGAAAATGGGAGAGAG-3'
Protein context (NP_000056.2, residues 490-510): IVDLVRNIPC[Ala500Ser]VTKRNNLRKA